The following is an entry in ClinVar:

NM_024675.4(PALB2):c.3202-1G>A

Gene: PALB2 (partner and localizer of BRCA2; minus strand). Cytogenetic location: 16p12.2.
Variant type: single nucleotide variant.
Coding change: c.3202-1G>A on transcript NM_024675.4 (MANE Select); the canonical splice acceptor site of the intron before coding-DNA position 3202, G replaced by A.
Molecular consequence: splice acceptor variant. On other transcripts: intron variant (8).
Genome position (GRCh38, 1-based): chr16:23,608,013, C>T on the plus strand (G>A on the coding strand, the complement: PALB2 is on the minus strand). VCF-style: chr16-23608013-C-T. GRCh37 (hg19) VCF-style: chr16-23619334-C-T.
Other names: c.2229-4344G>A (NM_001407308.1, NM_001407309.1); c.2317-1G>A (NM_001407306.1, NM_001407305.1, NM_001407304.1); c.736-1G>A (NM_001407314.1); c.1414-4344G>A (NM_001407313.1); c.1414-1G>A (NM_001407312.1); c.3142-1G>A (NM_001407296.1); c.3130-1G>A (NM_001407297.1); c.3040-4344G>A (NM_001407302.1); and 6 more.
Identifiers: ClinVar variation 371966 (VCV000371966.24), dbSNP rs515726111, ClinGen allele CA16042147.

ClinVar aggregate classification (germline): Pathogenic/Likely pathogenic. Review status: criteria provided, multiple submitters, no conflicts (2 of 4 stars). 11 submissions from 11 submitters: Pathogenic (6); Likely pathogenic (4). 1 of the submissions does not count toward it. Last evaluated 2025-12-10.

Conditions:
Hereditary cancer-predisposing syndrome. Also called: Tumor predisposition; Neoplastic Syndromes, Hereditary; Hereditary Cancer Syndrome; Hereditary neoplastic syndrome. Identifiers: Orphanet 140162, MedGen C0027672, MeSH D009386, MONDO:0015356.
autosomal dominant PALB2-related cancer predisposition.
Familial cancer of breast. Also called: Hereditary breast cancer; BREAST CANCER, FAMILIAL; hereditary breast carcinoma. Identifiers: Orphanet 227535, MedGen C0346153, MONDO:0016419, OMIM 114480. Disease mechanism: loss of function.
Pancreatic cancer, susceptibility to, 3. Identifiers: Orphanet 1333, MedGen C3150547, MONDO:0013236, OMIM 613348.
Fanconi anemia complementation group N. Also called: PALB2-Related Fanconi Anemia. Identifiers: Orphanet 84, MedGen C1835817, MONDO:0012565, OMIM 610832. Disease mechanism: loss of function.

Allele frequency attached by ClinVar (database versions not stated): TOPMed below 0.00001.
gnomAD v4.1: 1 of 1,613,498 alleles (0.000062%); highest among the groups gnomAD compares: Non-Finnish European, 0.000085%; no homozygotes.

Submissions (11):

Variantyx, Inc.
Classification: Pathogenic for autosomal dominant PALB2-related cancer predisposition. Last evaluated: 2025-12-10. Review status: criteria provided, single submitter. Criteria: Variantyx Assertion Criteria 2022. Collection method: clinical testing. Allele origin: germline. Inheritance: Autosomal dominant inheritance. Affected: yes.
Comment: This is a canonical splicing variant in the PALB2 gene (OMIM: 610355). Pathogenic variants in this gene have been associated with autosomal dominant PALB2-related cancer predisposition. This splicing variant is expected to result in loss of function, which is a known disease mechanism for PALB2 in this disorder (PMID: 30890586) (PVS1). This variant has a 0.0001% maximum allele frequency in non-founder control populations (PM2). Based on the current evidence, this variant is classified as pathogenic for autosomal dominant PALB2-related cancer predisposition.

Labcorp Genetics (formerly Invitae), Labcorp
Classification: Pathogenic for Familial cancer of breast. Last evaluated: 2025-12-05. Review status: criteria provided, single submitter. Criteria: Invitae Variant Classification Sherloc (09022015). Collection method: clinical testing. Allele origin: germline.
Comment: This sequence change affects an acceptor splice site in intron 11 of the PALB2 gene. RNA analysis indicates that disruption of this splice site induces altered splicing and may result in an absent or altered protein product. This variant is not present in population databases (gnomAD no frequency). This variant has not been reported in the literature in individuals affected with PALB2-related conditions. ClinVar contains an entry for this variant (Variation ID: 371966). Studies have shown that disruption of this splice site results in activation of a cryptic splice site, and produces a non-functional protein and/or introduces a premature termination codon (internal data). For these reasons, this variant has been classified as Pathogenic.

Center for Genomic Medicine, Rigshospitalet, Copenhagen University Hospital
Classification: Likely pathogenic. Last evaluated: 2025-03-04. Review status: criteria provided, single submitter. Criteria: ACMG Guidelines, 2015. Collection method: clinical testing. Allele origin: germline.

Department of Clinical Genetics, Copenhagen University Hospital, Rigshospitalet
Classification: Pathogenic for Hereditary cancer-predisposing syndrome. Last evaluated: 2025-02-04. Review status: criteria provided, single submitter. Criteria: ACMG Guidelines, 2015. Collection method: clinical testing. Allele origin: germline.
Comment: PVS1; PM2_SUP, PM5_SUP

Ambry Genetics
Classification: Likely pathogenic for Hereditary cancer-predisposing syndrome. Last evaluated: 2024-07-29. Review status: criteria provided, single submitter. Criteria: Ambry Variant Classification Scheme 2023. Collection method: clinical testing. Allele origin: germline.
Comment: The c.3202-1G>A intronic variant results from a G to A substitution one nucleotide upstream from coding exon 12 of the PALB2 gene. This nucleotide position is highly conserved in available vertebrate species. In silico splice site analysis predicts that this alteration may weaken the native splice acceptor site; however, direct evidence is insufficient at this time (Ambry internal data). Alterations that disrupt the canonical splice site are expected to cause aberrant splicing, resulting in an abnormal protein or a transcript that is subject to nonsense-mediated mRNA decay. As such, this alteration is classified as likely pathogenic.

Quest Diagnostics Nichols Institute San Juan Capistrano
Classification: Pathogenic. Last evaluated: 2024-05-08. Review status: criteria provided, single submitter. Criteria: Quest Diagnostics criteria. Collection method: clinical testing. Allele origin: unknown.
Comment: The PALB2 c.3202-1G>A variant disrupts a canonical splice-acceptor site and interferes with normal PALB2 mRNA splicing. This variant has been reported in the published literature in an individual with breast cancer (PMID: 34196900 (2021)) and in a cohort of individuals undergoing genetic testing for incidental findings (PMIDs: 31447099 (2019) and 32546831 (2020)). This variant has not been reported in large, multi-ethnic general populations (Genome Aggregation Database). Based on the available information, this variant is classified as pathogenic.

Myriad Genetics, Inc.
Classification: Likely pathogenic for Familial cancer of breast. Last evaluated: 2023-03-30. Review status: criteria provided, single submitter. Criteria: Myriad Autosomal Dominant, Autosomal Recessive and X-Linked Classification Criteria (2023). Collection method: clinical testing. Allele origin: unknown.
Comment: This variant is considered likely pathogenic. This variant occurs within a consensus splice junction and is predicted to result in abnormal mRNA splicing of either an out-of-frame exon or an in-frame exon necessary for protein stability and/or normal function.

Baylor Genetics
Classification: Likely pathogenic for Familial cancer of breast. Last evaluated: 2022-03-10. Review status: criteria provided, single submitter. Criteria: ACMG Guidelines, 2015. Collection method: clinical testing. Allele origin: unknown.

Fulgent Genetics
Classification: Pathogenic for Familial cancer of breast; Fanconi anemia complementation group N; Pancreatic cancer, susceptibility to, 3. Last evaluated: 2021-11-11. Review status: criteria provided, single submitter. Criteria: ACMG Guidelines, 2015. Collection method: clinical testing. Allele origin: unknown.

Human Genome Sequencing Center Clinical Lab, Baylor College of Medicine
Classification: Pathogenic for Familial cancer of breast. Last evaluated: 2017-06-02. Review status: criteria provided, single submitter. Criteria: ACMG Guidelines, 2015. Collection method: clinical testing. Allele origin: germline.
Comment: This c.3202-1G>A variant has not been observed in our cohort database nor has been detected in the ExAC database. This variant was however reported in ClinVar. This variant is located at the invariant acceptor splice site of intron 11 of the PALB2 gene. While not validated for clinical use, computer-based algorithms predict this c.3202-1G>A change to disrupt the splicing site. This variant is classified as pathogenic

Counsyl
Classification: Likely pathogenic for Familial cancer of breast. Last evaluated: 2016-09-16. Review status: no assertion criteria provided. Collection method: clinical testing. Allele origin: unknown. Not counted in ClinVar's aggregate classification.

Literature cited by the submitters: PubMed 30890586 (cited by Variantyx, Inc.); PubMed 34196900 (cited by Center for Genomic Medicine, Rigshospitalet, Copenhagen University Hospital and Quest Diagnostics Nichols Institute San Juan Capistrano); PubMed 32546831 (cited by Quest Diagnostics Nichols Institute San Juan Capistrano); PubMed 31447099 (cited by Quest Diagnostics Nichols Institute San Juan Capistrano).